The following is an entry in ClinVar:

NM_182931.3(KMT2E):c.1214G>A (p.Arg405Gln)

Gene: KMT2E (lysine methyltransferase 2E (inactive); plus strand). Cytogenetic location: 7q22.3.
Variant type: single nucleotide variant.
Coding change: c.1214G>A on transcript NM_182931.3 (MANE Select); coding-DNA position 1214, G replaced by A.
Protein change: p.Arg405Gln; replaces arginine 405 with glutamine.
Molecular consequence: missense variant.
Genome position (GRCh38, 1-based): chr7:105,078,929, G>A. VCF-style: chr7-105078929-G-A. GRCh37 (hg19) VCF-style: chr7-104719376-G-A.
Other names: c.1214G>A, p.Arg405Gln (NM_001410908.1, NM_018682.4); short protein forms R405Q.
Identifiers: ClinVar variation 2673125 (VCV002673125.23), dbSNP rs2536432553, ClinGen allele CA368780355.

ClinVar aggregate classification (germline): Uncertain significance (1 of 4 stars; one submission).

Allele frequency attached by ClinVar (database versions not stated): gnomAD exomes below 0.00001.

Submission:

CeGaT Center for Human Genetics Tuebingen
Classification: Uncertain significance. Last evaluated: 2023-11-01. Review status: criteria provided, single submitter. Criteria: CeGaT Center For Human Genetics Tuebingen Variant Classification Criteria Version 2. Collection method: clinical testing. Allele origin: germline. Affected: yes. Observed: 1 variant allele.
Comment: KMT2E: PM2, PP3